The following is an entry in ClinVar:

ClinVar aggregate classification (germline): Likely benign (0 of 4 stars; one submission).

Conditions:
EP300-related disorder. Also called: EP300-related disorders; EP300-related condition.

Allele frequency attached by ClinVar (database versions not stated): gnomAD 0.00001; gnomAD exomes 0.00001; ExAC 0.00002; TOPMed 0.00003.
gnomAD v4.1: 22 of 1,613,080 alleles (0.0014%); highest among the groups gnomAD compares: Non-Finnish European, 0.0017%; no homozygotes.

Submission:

PreventionGenetics, part of Exact Sciences
Classification: Likely benign for EP300-related condition. Last evaluated: 2021-11-10. Review status: no assertion criteria provided. Collection method: clinical testing. Allele origin: germline.
Comment: This variant is classified as likely benign based on ACMG/AMP sequence variant interpretation guidelines (Richards et al. 2015 PMID: 25741868, with internal and published modifications).

NM_001429.4(EP300):c.2283G>A (p.Gln761=)

Gene: EP300 (E1A binding protein p300; plus strand). Cytogenetic location: 22q13.2.
Variant type: single nucleotide variant.
Coding change: c.2283G>A on transcript NM_001429.4 (MANE Select); coding-DNA position 2283, G replaced by A.
Protein change: p.Gln761=; no amino-acid change (glutamine 761 retained).
Molecular consequence: synonymous variant.
Genome position (GRCh38, 1-based): chr22:41,149,079, G>A. VCF-style: chr22-41149079-G-A. GRCh37 (hg19) VCF-style: chr22-41545083-G-A.
Other names: c.2205G>A, p.Gln735= (NM_001362843.2).
Identifiers: ClinVar variation 3061597 (VCV003061597.2), dbSNP rs778740989, ClinGen allele CA10252826.